The following is an entry in ClinVar:

ClinVar aggregate classification (germline): Uncertain significance (1 of 4 stars; one submission).

Conditions:
Autoimmune interstitial lung disease-arthritis syndrome. Also called: Autoinflammation and autoimmunity, systemic, with immune dysregulation. Identifiers: Orphanet 444092, MedGen C5975714, MONDO:0014629.

gnomAD v4.1: 15 of 1,614,084 alleles (0.00093%); highest among the groups gnomAD compares: Non-Finnish European, 0.0013%; no homozygotes.

Submission:

Labcorp Genetics (formerly Invitae), Labcorp
Classification: Uncertain significance for Autoimmune interstitial lung disease-arthritis syndrome. Last evaluated: 2024-04-25. Review status: criteria provided, single submitter. Criteria: Invitae Variant Classification Sherloc (09022015). Collection method: clinical testing. Allele origin: germline.
Comment: This sequence change replaces methionine, which is neutral and non-polar, with isoleucine, which is neutral and non-polar, at codon 614 of the COPA protein (p.Met614Ile). This variant is present in population databases (rs766102154, gnomAD 0.0009%). This variant has not been reported in the literature in individuals affected with COPA-related conditions. Advanced modeling of protein sequence and biophysical properties (such as structural, functional, and spatial information, amino acid conservation, physicochemical variation, residue mobility, and thermodynamic stability) performed at Invitae indicates that this missense variant is not expected to disrupt COPA protein function with a negative predictive value of 80%. Algorithms developed to predict the effect of sequence changes on RNA splicing suggest that this variant may disrupt the consensus splice site. In summary, the available evidence is currently insufficient to determine the role of this variant in disease. Therefore, it has been classified as a Variant of Uncertain Significance.

NM_004371.4(COPA):c.1842G>A (p.Met614Ile)

Gene: COPA (coat protein complex I subunit alpha; minus strand). Cytogenetic location: 1q23.2.
Variant type: single nucleotide variant.
Coding change: c.1842G>A on transcript NM_004371.4 (MANE Select); coding-DNA position 1842, G replaced by A.
Protein change: p.Met614Ile; replaces methionine 614 with isoleucine.
Molecular consequence: missense variant.
Genome position (GRCh38, 1-based): chr1:160,298,980, C>T on the plus strand (G>A on the coding strand, the complement: COPA is on the minus strand). VCF-style: chr1-160298980-C-T. GRCh37 (hg19) VCF-style: chr1-160268770-C-T.
Other names: c.1869G>A, p.Met623Ile (NM_001098398.2); short protein forms M614I, M623I.
Identifiers: ClinVar variation 3682748 (VCV003682748.2).